The following is an entry in ClinVar:

ClinVar aggregate classification (germline): Uncertain significance (1 of 4 stars; one submission).

gnomAD v4.1: 1 of 1,609,220 alleles (0.000062%); highest among the groups gnomAD compares: Non-Finnish European, 0.000085%; no homozygotes.

Submission:

GeneDx
Classification: Uncertain significance. Last evaluated: 2024-04-11. Review status: criteria provided, single submitter. Criteria: GeneDx Variant Classification Process June 2021. Collection method: clinical testing. Allele origin: germline. Affected: yes.
Comment: Not observed at significant frequency in large population cohorts (gnomAD); In silico analysis supports that this missense variant has a deleterious effect on protein structure/function and/or splicing; Has not been previously published as pathogenic or benign to our knowledge

NM_025132.4(WDR19):c.2993A>G (p.Asp998Gly)

Gene: WDR19 (WD repeat domain 19; plus strand). Cytogenetic location: 4p14.
Variant type: single nucleotide variant.
Coding change: c.2993A>G on transcript NM_025132.4 (MANE Select); coding-DNA position 2993, A replaced by G.
Protein change: p.Asp998Gly; replaces aspartic acid 998 with glycine.
Molecular consequence: missense variant.
Genome position (GRCh38, 1-based): chr4:39,254,022, A>G. VCF-style: chr4-39254022-A-G. GRCh37 (hg19) VCF-style: chr4-39255642-A-G.
Other names: c.2513A>G, p.Asp838Gly (NM_001317924.2); short protein forms D838G, D998G.
Identifiers: ClinVar variation 3372258 (VCV003372258.1).